The following is an entry in ClinVar:

ClinVar aggregate classification (germline): Pathogenic (1 of 4 stars; one submission).

Submission:

Labcorp Genetics (formerly Invitae), Labcorp
Classification: Pathogenic. Last evaluated: 2023-09-30. Review status: criteria provided, single submitter. Criteria: Invitae Variant Classification Sherloc (09022015). Collection method: clinical testing. Allele origin: germline.
Comment: This sequence change creates a premature translational stop signal (p.Val3384Glyfs*10) in the VPS13D gene. It is expected to result in an absent or disrupted protein product. Loss-of-function variants in VPS13D are known to be pathogenic (PMID: 29518281). This variant is not present in population databases (gnomAD no frequency). This variant has not been reported in the literature in individuals affected with VPS13D-related conditions. For these reasons, this variant has been classified as Pathogenic.

Literature cited by the submitters: PubMed 29518281.

NM_015378.4(VPS13D):c.10150dup (p.Val3384fs)

Gene: VPS13D (vacuolar protein sorting 13 homolog D; plus strand). Cytogenetic location: 1p36.22.
Variant type: Duplication.
Coding change: c.10150dup on transcript NM_015378.4 (MANE Select); coding-DNA position 10150, one base duplicated (G; older notation c.10150dupG).
Protein change: p.Val3384fs; shifts the reading frame from valine 3384.
Molecular consequence: frameshift variant.
Genome position (GRCh38, 1-based): chr1:12,362,728, G duplicated. VCF-style (leftmost placement, unchanged base first): chr1-12362727-T-TG. GRCh37 (hg19) VCF-style: chr1-12422783-T-TG.
Other names: c.10075dup, p.Val3359fs (NM_018156.4); short protein forms V3359fs, V3384fs.
Identifiers: ClinVar variation 2762452 (VCV002762452.3), dbSNP rs2524405833, ClinGen allele CA2697552190.